The following is an entry in ClinVar:

ClinVar aggregate classification (germline): Uncertain significance (1 of 4 stars; one submission).

Conditions:
Hypertrophic cardiomyopathy. Also called: HYPERTROPHIC MYOCARDIOPATHY. Identifiers: Orphanet 217569, MedGen C0007194, MeSH D002312, MONDO:0005045, HP:0001639.

Submission:

Labcorp Genetics (formerly Invitae), Labcorp
Classification: Uncertain significance for Hypertrophic cardiomyopathy. Last evaluated: 2024-04-05. Review status: criteria provided, single submitter. Criteria: Invitae Variant Classification Sherloc (09022015). Collection method: clinical testing. Allele origin: germline.
Comment: This sequence change replaces arginine, which is basic and polar, with proline, which is neutral and non-polar, at codon 197 of the JPH2 protein (p.Arg197Pro). This variant is not present in population databases (gnomAD no frequency). This variant has not been reported in the literature in individuals affected with JPH2-related conditions. An algorithm developed to predict the effect of missense changes on protein structure and function (PolyPhen-2) suggests that this variant is likely to be disruptive. In summary, the available evidence is currently insufficient to determine the role of this variant in disease. Therefore, it has been classified as a Variant of Uncertain Significance.

NM_020433.5(JPH2):c.590G>C (p.Arg197Pro)

Gene: JPH2 (junctophilin 2; minus strand). Cytogenetic location: 20q13.12.
Variant type: single nucleotide variant.
Coding change: c.590G>C on transcript NM_020433.5 (MANE Select); coding-DNA position 590, G replaced by C.
Protein change: p.Arg197Pro; replaces arginine 197 with proline.
Molecular consequence: missense variant.
Genome position (GRCh38, 1-based): chr20:44,160,197, C>G on the plus strand (G>C on the coding strand, the complement: JPH2 is on the minus strand). VCF-style: chr20-44160197-C-G. GRCh37 (hg19) VCF-style: chr20-42788837-C-G.
Other names: short protein forms R197P.
Identifiers: ClinVar variation 3648247 (VCV003648247.2).
Genomic context (GRCh38, chr20:44,160,197, plus strand): 5'-CCCTTGGGCGCCCGCGCGGCCGCCTCGGCATTGGCCAGGAGGCTGAGCGCGAAGCCGCCA[C>G]GCGGGATGGCGGGCGAGGGCAGCGCGGGGCCGTCGGAGGCCGGCGAGGCGGGAGAGTCCG-3'
Protein context (NP_065166.2, residues 187-207): GPALPSPAIP[Arg197Pro]GGFALSLLAN